The following is an entry in ClinVar:

ClinVar aggregate classification (germline): Uncertain significance (1 of 4 stars; one submission).

Conditions:
Leukodystrophy, hypomyelinating, 8, with or without oligodontia and/or hypogonadotropic hypogonadism. Also called: LEUKODYSTROPHY, HYPOMYELINATING, 8, WITH HYPODONTIA AND HYPOGONADOTROPIC HYPOGONADISM; Hypomyelinating leukodystrophy 8 with or without oligodontia and-or hypogonadotropic hypogonadism; Endosteal sclerosis-cerebellar hypoplasia syndrome. Identifiers: Orphanet 85186, Orphanet 88637, MedGen C3280644, MONDO:0013722, OMIM 614381.

Submission:

3billion
Classification: Uncertain significance for Leukodystrophy, hypomyelinating, 8, with or without oligodontia and/or hypogonadotropic hypogonadism. Last evaluated: 2023-12-15. Review status: criteria provided, single submitter. Criteria: ACMG Guidelines, 2015. Collection method: clinical testing. Allele origin: germline. Affected: yes.
Comment: The variant is not observed in the gnomAD v2.1.1 dataset. Predicted Consequence/Location: Missense variant In silico tool predictions suggest damaging effect of the variant on gene or gene product [REVEL: 0.81 (>=0.6, sensitivity 0.68 and specificity 0.92)]. Therefore, this variant is classified as VUS according to the recommendation of ACMG/AMP guideline.

NM_018082.6(POLR3B):c.3002A>G (p.Tyr1001Cys)

Genes: POLR3B (RNA polymerase III subunit B; plus strand), RFX4-AS1 (RFX4 antisense RNA 1; minus strand). Cytogenetic location: 12q23.3.
Variant type: single nucleotide variant.
Coding change: c.3002A>G on transcript NM_018082.6 (MANE Select); coding-DNA position 3002, A replaced by G.
Protein change: p.Tyr1001Cys; replaces tyrosine 1001 with cysteine.
Molecular consequence: missense variant.
Genome position (GRCh38, 1-based): chr12:106,501,340, A>G. VCF-style: chr12-106501340-A-G. GRCh37 (hg19) VCF-style: chr12-106895118-A-G.
Other names: c.2828A>G, p.Tyr943Cys (NM_001160708.2); short protein forms Y1001C, Y943C.
Identifiers: ClinVar variation 3775844 (VCV003775844.1).